The following is an entry in ClinVar:

NM_080680.3(COL11A2):c.1716T>C (p.His572=)

Gene: COL11A2 (collagen type XI alpha 2 chain; minus strand). Cytogenetic location: 6p21.32.
Variant type: single nucleotide variant.
Coding change: c.1716T>C on transcript NM_080680.3 (MANE Select); coding-DNA position 1716, T replaced by C.
Protein change: p.His572=; no amino-acid change (histidine 572 retained).
Molecular consequence: synonymous variant.
Genome position (GRCh38, 1-based): chr6:33,178,682, A>G on the plus strand (T>C on the coding strand, the complement: COL11A2 is on the minus strand). VCF-style: chr6-33178682-A-G. GRCh37 (hg19) VCF-style: chr6-33146459-A-G.
Other names: c.1395T>C, p.His465= (NM_080679.3); c.1458T>C, p.His486= (NM_080681.3).
Identifiers: ClinVar variation 227261 (VCV000227261.33), dbSNP rs533884328, ClinGen allele CA3751246.

ClinVar aggregate classification (germline): Likely benign. Review status: criteria provided, multiple submitters, no conflicts (2 of 4 stars). 5 submissions from 5 submitters: Likely benign (4). 1 of the submissions does not count toward it. Last evaluated 2025-12-18.

Conditions:
COL11A2-related disorder. Also called: COL11A2-related condition; COL11A2-related disorders.

Allele frequency attached by ClinVar (database versions not stated): ExAC 0.00001; gnomAD exomes 0.00002 and 0.00007; gnomAD 0.00003 and 0.00004; TOPMed 0.00004; 1000 Genomes Project 30x 0.00016; 1000 Genomes Project 0.00020.

Submissions (5):

Labcorp Genetics (formerly Invitae), Labcorp
Classification: Likely benign. Last evaluated: 2025-12-18. Review status: criteria provided, single submitter. Criteria: Invitae Variant Classification Sherloc (09022015). Collection method: clinical testing. Allele origin: germline.

Blueprint Genetics
Classification: Likely benign. Last evaluated: 2024-11-25. Review status: criteria provided, single submitter. Criteria: ACMG Guidelines, 2015. Collection method: clinical testing. Allele origin: germline.

CeGaT Center for Human Genetics Tuebingen
Classification: Likely benign. Last evaluated: 2024-05-01. Review status: criteria provided, single submitter. Criteria: CeGaT Center For Human Genetics Tuebingen Variant Classification Criteria Version 2. Collection method: clinical testing. Allele origin: germline. Affected: yes. Observed: 1 variant allele.
Comment: COL11A2: BP4, BP7

Laboratory for Molecular Medicine, Mass General Brigham Personalized Medicine
Classification: Likely benign. Last evaluated: 2015-02-12. Review status: criteria provided, single submitter. Criteria: LMM Criteria. Collection method: clinical testing. Allele origin: germline. Observed: 2 variant alleles.
Comment: p.His572His in exon 18 of COL11A2: This variant is not expected to have clinical significance because it does not alter an amino acid residue and is not located within the splice consensus sequence. It has been identified in 1/63932 Europea n chromosomes by the Exome Aggregation Consortium (ExAC).

PreventionGenetics, part of Exact Sciences
Classification: Likely benign for COL11A2-related condition. Last evaluated: 2019-04-24. Review status: no assertion criteria provided. Collection method: clinical testing. Allele origin: germline. Not counted in ClinVar's aggregate classification.
Comment: This variant is classified as likely benign based on ACMG/AMP sequence variant interpretation guidelines (Richards et al. 2015 PMID: 25741868, with internal and published modifications).